The following is an entry in ClinVar:

ClinVar aggregate classification (germline): Conflicting classifications of pathogenicity. Review status: criteria provided, conflicting classifications (1 of 4 stars). 3 submissions from 3 submitters: Uncertain significance (2); Likely benign (1). Last evaluated 2025-02-24.

Conditions:
Inborn genetic diseases. Identifiers: MedGen C0950123, MeSH D030342.

Allele frequency attached by ClinVar (database versions not stated): ESP Exome Variant Server 0.00069; gnomAD exomes 0.00004; gnomAD 0.00047; ExAC 0.00016; TOPMed 0.00066.

Submissions (3):

GeneDx
Classification: Uncertain significance. Last evaluated: 2025-02-24. Review status: criteria provided, single submitter. Criteria: GeneDx Variant Classification Process June 2021. Collection method: clinical testing. Allele origin: germline. Affected: yes.
Comment: In silico analysis indicates that this missense variant does not alter protein structure/function; Has not been previously published as pathogenic or benign to our knowledge

Labcorp Genetics (formerly Invitae), Labcorp
Classification: Likely benign. Last evaluated: 2024-03-30. Review status: criteria provided, single submitter. Criteria: Invitae Variant Classification Sherloc (09022015). Collection method: clinical testing. Allele origin: germline.

Ambry Genetics
Classification: Uncertain significance for Inborn genetic diseases. Last evaluated: 2021-10-12. Review status: criteria provided, single submitter. Criteria: Ambry Variant Classification Scheme 2023. Collection method: clinical testing. Allele origin: germline.

NM_003394.4(WNT10B):c.967A>C (p.Thr323Pro)

Gene: WNT10B (Wnt family member 10B; minus strand). Cytogenetic location: 12q13.12.
Variant type: single nucleotide variant.
Coding change: c.967A>C on transcript NM_003394.4 (MANE Select); coding-DNA position 967, A replaced by C.
Protein change: p.Thr323Pro; replaces threonine 323 with proline.
Molecular consequence: missense variant.
Genome position (GRCh38, 1-based): chr12:48,966,298, T>G on the plus strand (A>C on the coding strand, the complement: WNT10B is on the minus strand). VCF-style: chr12-48966298-T-G. GRCh37 (hg19) VCF-style: chr12-49360081-T-G.
Other names: short protein forms T323P.
Identifiers: ClinVar variation 2078951 (VCV002078951.6), dbSNP rs138756345, ClinGen allele CA6544056.